The following is an entry in ClinVar:

ClinVar aggregate classification (germline): Uncertain significance (1 of 4 stars; one submission).

Submission:

GeneDx
Classification: Uncertain significance. Last evaluated: 2023-06-28. Review status: criteria provided, single submitter. Criteria: GeneDx Variant Classification Process June 2021. Collection method: clinical testing. Allele origin: germline. Affected: yes.
Comment: Not observed at significant frequency in large population cohorts (gnomAD); In silico analysis supports that this missense variant has a deleterious effect on protein structure/function; Has not been previously published as pathogenic or benign to our knowledge

NM_000307.5(POU3F4):c.907C>G (p.Pro303Ala)

Gene: POU3F4 (POU class 3 homeobox 4; plus strand). Cytogenetic location: Xq21.1.
Variant type: single nucleotide variant.
Coding change: c.907C>G on transcript NM_000307.5 (MANE Select); coding-DNA position 907, C replaced by G.
Protein change: p.Pro303Ala; replaces proline 303 with alanine.
Molecular consequence: missense variant.
Genome position (GRCh38, 1-based): chrX:83,509,231, C>G. VCF-style: chrX-83509231-C-G. GRCh37 (hg19) VCF-style: chrX-82764239-C-G.
Other names: short protein forms P303A.
Identifiers: ClinVar variation 3360191 (VCV003360191.1).